The following is an entry in ClinVar:

NM_024301.5(FKRP):c.224del (p.Pro75fs)

Gene: FKRP (fukutin related protein; plus strand). Cytogenetic location: 19q13.32.
Variant type: Deletion.
Coding change: c.224del on transcript NM_024301.5 (MANE Select); coding-DNA position 224, one base deleted (C; older notation c.224delC).
Protein change: p.Pro75fs; shifts the reading frame from proline 75.
Molecular consequence: frameshift variant.
Genome position (GRCh38, 1-based): chr19:46,755,674, C deleted; the last of 3 consecutive C bases (chr19:46,755,672-46,755,674); deleting any one gives the same sequence. VCF-style (leftmost placement, unchanged base first): chr19-46755671-AC-A. GRCh37 (hg19) VCF-style: chr19-47258928-AC-A.
Other names: c.224del, p.Pro75fs (NM_001039885.3); short protein forms P75fs.
Identifiers: ClinVar variation 1451632 (VCV001451632.6), dbSNP rs779619633, ClinGen allele CA9532128.

ClinVar aggregate classification (germline): Pathogenic (1 of 4 stars; one submission).

Conditions:
Walker-Warburg congenital muscular dystrophy. Also called: Muscular dystrophy-dystroglycanopathy, type A; Walker-Warburg syndrome. Identifiers: Orphanet 899, MedGen C0265221, MONDO:0000171.

Submission:

Labcorp Genetics (formerly Invitae), Labcorp
Classification: Pathogenic for Walker-Warburg congenital muscular dystrophy. Last evaluated: 2021-11-19. Review status: criteria provided, single submitter. Criteria: Invitae Variant Classification Sherloc (09022015). Collection method: clinical testing. Allele origin: germline.
Comment: For these reasons, this variant has been classified as Pathogenic. This variant disrupts a region of the FKRP protein in which other variant(s) (p.Leu452Cysfs*38) have been determined to be pathogenic (Invitae). This suggests that this is a clinically significant region of the protein, and that variants that disrupt it are likely to be disease-causing. This variant has not been reported in the literature in individuals affected with FKRP-related conditions. This variant is present in population databases (rs779619633, gnomAD 0.001%). This sequence change creates a premature translational stop signal (p.Pro75Glnfs*54) in the FKRP gene. While this is not anticipated to result in nonsense mediated decay, it is expected to disrupt the last 421 amino acid(s) of the FKRP protein.